The following is an entry in ClinVar:

ClinVar aggregate classification (germline): Uncertain significance. Review status: criteria provided, multiple submitters, no conflicts (2 of 4 stars). 3 submissions from 3 submitters: Uncertain significance (3). Last evaluated 2025-01-20.

Conditions:
Ellis-van Creveld syndrome (EVC). Also called: EVC-Related Ellis-van Creveld Syndrome; EVC2-Related Ellis-van Creveld Syndrome; MESOECTODERMAL DYSPLASIA; Chondroectodermal dysplasia. Identifiers: Orphanet 289, MedGen C0013903, MONDO:0009162, OMIM 225500.
Curry-Hall syndrome (WAD). Also called: WEYERS ACRODENTAL DYSOSTOSIS. Identifiers: Orphanet 952, MedGen C0457013, MONDO:0008673, OMIM 193530.
Inborn genetic diseases. Identifiers: MedGen C0950123, MeSH D030342.

Allele frequency attached by ClinVar (database versions not stated): gnomAD exomes 0.00001 and 0.00005; ExAC 0.00007; ESP Exome Variant Server 0.00008; TOPMed 0.00008; gnomAD 0.00010 and 0.00011.
gnomAD v4.1: 33 of 1,613,848 alleles (0.002%); highest among the groups gnomAD compares: African/African-American, 0.021%; no homozygotes.

Submissions (3):

Ambry Genetics
Classification: Uncertain significance for Inborn genetic diseases. Last evaluated: 2025-01-20. Review status: criteria provided, single submitter. Criteria: Ambry Variant Classification Scheme 2023. Collection method: clinical testing. Allele origin: germline.

Labcorp Genetics (formerly Invitae), Labcorp
Classification: Uncertain significance for Curry-Hall syndrome; Ellis-van Creveld syndrome. Last evaluated: 2022-07-13. Review status: criteria provided, single submitter. Criteria: Invitae Variant Classification Sherloc (09022015). Collection method: clinical testing. Allele origin: germline.
Comment: This sequence change replaces arginine, which is basic and polar, with cysteine, which is neutral and slightly polar, at codon 608 of the EVC2 protein (p.Arg608Cys). This variant is present in population databases (rs371876802, gnomAD 0.03%). This variant has not been reported in the literature in individuals affected with EVC2-related conditions. ClinVar contains an entry for this variant (Variation ID: 904802). Algorithms developed to predict the effect of missense changes on protein structure and function are either unavailable or do not agree on the potential impact of this missense change (SIFT: "Deleterious"; PolyPhen-2: "Probably Damaging"; Align-GVGD: "Class C15"). In summary, the available evidence is currently insufficient to determine the role of this variant in disease. Therefore, it has been classified as a Variant of Uncertain Significance.

Illumina Laboratory Services, Illumina
Classification: Uncertain significance for Ellis-van Creveld syndrome. Last evaluated: 2018-01-13. Review status: criteria provided, single submitter. Criteria: ICSL Variant Classification Criteria 13 December 2019. Collection method: clinical testing. Allele origin: germline.

NM_147127.5(EVC2):c.1822C>T (p.Arg608Cys)

Gene: EVC2 (EvC ciliary complex subunit 2; minus strand). Cytogenetic location: 4p16.2.
Variant type: single nucleotide variant.
Coding change: c.1822C>T on transcript NM_147127.5 (MANE Select); coding-DNA position 1822, C replaced by T.
Protein change: p.Arg608Cys; replaces arginine 608 with cysteine.
Molecular consequence: missense variant.
Genome position (GRCh38, 1-based): chr4:5,628,623, G>A on the plus strand (C>T on the coding strand, the complement: EVC2 is on the minus strand). VCF-style: chr4-5628623-G-A. GRCh37 (hg19) VCF-style: chr4-5630350-G-A.
Other names: c.1582C>T, p.Arg528Cys (NM_001166136.2); short protein forms R608C, R528C.
Identifiers: ClinVar variation 904802 (VCV000904802.10), dbSNP rs371876802, ClinGen allele CA2834929.